The following is an entry in ClinVar:

NM_212482.4(FN1):c.7366G>A (p.Val2456Ile)

Genes: ATIC (5-aminoimidazole-4-carboxamide ribonucleotide formyltransferase/IMP cyclohydrolase; plus strand), FN1 (fibronectin 1; minus strand). Cytogenetic location: 2q35.
Variant type: single nucleotide variant.
Coding change: c.7366G>A on transcript NM_212482.4 (MANE Select); coding-DNA position 7366, G replaced by A.
Protein change: p.Val2456Ile; replaces valine 2456 with isoleucine.
Molecular consequence: missense variant.
Genome position (GRCh38, 1-based): chr2:215,361,623, C>T on the plus strand (G>A on the coding strand, the complement: FN1 is on the minus strand). VCF-style: chr2-215361623-C-T. GRCh37 (hg19) VCF-style: chr2-216226346-C-T.
Other names: c.7273G>A, p.Val2425Ile (NM_001306129.2); c.6736G>A, p.Val2246Ile (NM_001306130.2); c.6730G>A, p.Val2244Ile (NM_001306131.2); c.6655G>A, p.Val2219Ile (NM_001306132.2); c.7096G>A, p.Val2366Ile (NM_001365517.2); c.7093G>A, p.Val2365Ile (NM_001365518.2); c.7021G>A, p.Val2341Ile (NM_001365519.2); c.7018G>A, p.Val2340Ile (NM_001365520.2); and 8 more; short protein forms V2155I, V2244I, V2334I, V2245I, V2310I, V2340I, V2425I, V2456I.
Identifiers: ClinVar variation 1495269 (VCV001495269.6), dbSNP rs2106084754, ClinGen allele CA350461503.

ClinVar aggregate classification (germline): Uncertain significance (1 of 4 stars; one submission).

Allele frequency attached by ClinVar (database versions not stated): gnomAD exomes below 0.00001.
gnomAD v4.1: 4 of 1,609,064 alleles (0.00025%); highest among the groups gnomAD compares: Non-Finnish European, 0.00034%; no homozygotes.

Submission:

Labcorp Genetics (formerly Invitae), Labcorp
Classification: Uncertain significance. Last evaluated: 2022-11-22. Review status: criteria provided, single submitter. Criteria: Invitae Variant Classification Sherloc (09022015). Collection method: clinical testing. Allele origin: germline.
Comment: This variant is not present in population databases (gnomAD no frequency). In summary, the available evidence is currently insufficient to determine the role of this variant in disease. Therefore, it has been classified as a Variant of Uncertain Significance. Algorithms developed to predict the effect of missense changes on protein structure and function are either unavailable or do not agree on the potential impact of this missense change (SIFT: "Not Available"; PolyPhen-2: "Benign"; Align-GVGD: "Not Available"). ClinVar contains an entry for this variant (Variation ID: 1495269). This variant has not been reported in the literature in individuals affected with FN1-related conditions. This sequence change replaces valine, which is neutral and non-polar, with isoleucine, which is neutral and non-polar, at codon 2456 of the FN1 protein (p.Val2456Ile).